The following is an entry in ClinVar:

ClinVar aggregate classification (germline): Uncertain significance. Review status: criteria provided, multiple submitters, no conflicts (2 of 4 stars). 3 submissions from 3 submitters: Uncertain significance (3). Last evaluated 2024-07-20.

Conditions:
Malignant hyperthermia, susceptibility to, 5 (MHS5). Also called: CACNA1S-Related Malignant Hyperthermia Susceptibility. Identifiers: Orphanet 423, MedGen C1866077, MONDO:0011163, OMIM 601887.
Hypokalemic periodic paralysis, type 1. Also called: Hypokalemic Periodic Paralysis Type 1 (AD); HypoPP. Identifiers: Orphanet 681, MedGen C3714580, MONDO:0042979, OMIM 170400.
Congenital myopathy 18. Also called: Myopathy, congenital, due to dihydropyridine receptor defect; DIHYDROPYRIDINE RECEPTOR CONGENITAL MYOPATHY; DHPR CONGENITAL MYOPATHY. Identifiers: MedGen C5830283, MONDO:0859514, OMIM 620246.
Thyrotoxic periodic paralysis, susceptibility to, 1 (TTPP1). Identifiers: Orphanet 79102, MedGen C2749982, MONDO:0008570, OMIM 188580.

gnomAD v4.1: 3 of 1,614,096 alleles (0.00019%); highest among the groups gnomAD compares: African/African-American, 0.0013%; no homozygotes.

Submissions (3):

All of Us Research Program, National Institutes of Health
Classification: Uncertain significance for Malignant hyperthermia, susceptibility to, 5. Last evaluated: 2024-07-20. Review status: criteria provided, single submitter. Criteria: ACMG Guidelines, 2015. Collection method: clinical testing. Allele origin: germline. Inheritance: Autosomal dominant inheritance. Observed: 1 variant allele, 1 heterozygote.
Comment: This missense variant replaces leucine with phenylalanine at codon 1367 of the CACNA1S protein. Computational prediction suggests that this variant may have deleterious impact on protein structure and function (internally defined REVEL score threshold >= 0.7, PMID: 27666373). To our knowledge, functional studies have not been reported for this variant. This variant has not been reported in individuals affected with CACNA1S-related disorders in the literature. This variant has not been identified in the general population by the Genome Aggregation Database (gnomAD). The available evidence is insufficient to determine the role of this variant in disease conclusively. Therefore, this variant is classified as a Variant of Uncertain Significance.

This study involves interpretation of variants in research participants for the purpose of population health screening. Participant phenotype was not available at the time of variant classification. Additional details can be found in publication PMID: 35346344, PMCID: PMC8962531

Color Diagnostics, LLC DBA Color Health
Classification: Uncertain significance for Malignant hyperthermia, susceptibility to, 5. Last evaluated: 2024-07-10. Review status: criteria provided, single submitter. Criteria: ACMG Guidelines, 2015. Collection method: clinical testing. Allele origin: germline.
Comment: This missense variant replaces leucine with phenylalanine at codon 1367 of the CACNA1S protein. Computational prediction suggests that this variant may have deleterious impact on protein structure and function. To our knowledge, functional studies have not been reported for this variant. This variant has not been reported in individuals affected with CACNA1S-related disorders in the literature. This variant has not been identified in the general population by the Genome Aggregation Database (gnomAD). The available evidence is insufficient to determine the role of this variant in disease conclusively. Therefore, this variant is classified as a Variant of Uncertain Significance.

Fulgent Genetics
Classification: Uncertain significance for Hypokalemic periodic paralysis, type 1; Thyrotoxic periodic paralysis, susceptibility to, 1; Malignant hyperthermia, susceptibility to, 5; Congenital myopathy 18. Last evaluated: 2024-04-16. Review status: criteria provided, single submitter. Criteria: ACMG Guidelines, 2015. Collection method: clinical testing. Allele origin: germline.

NM_000069.3(CACNA1S):c.4099C>T (p.Leu1367Phe)

Gene: CACNA1S (calcium voltage-gated channel subunit alpha1 S; minus strand). Cytogenetic location: 1q32.1.
Variant type: single nucleotide variant.
Coding change: c.4099C>T on transcript NM_000069.3 (MANE Select); coding-DNA position 4099, C replaced by T.
Protein change: p.Leu1367Phe; replaces leucine 1367 with phenylalanine.
Molecular consequence: missense variant.
Genome position (GRCh38, 1-based): chr1:201,050,998, G>A on the plus strand (C>T on the coding strand, the complement: CACNA1S is on the minus strand). VCF-style: chr1-201050998-G-A. GRCh37 (hg19) VCF-style: chr1-201020126-G-A.
Other names: short protein forms L1367F.
Identifiers: ClinVar variation 3386313 (VCV003386313.3).